The following is an entry in ClinVar:

ClinVar aggregate classification (germline): Uncertain significance (1 of 4 stars; one submission).

Submission:

Ambry Genetics
Classification: Uncertain significance. Last evaluated: 2023-04-07. Review status: criteria provided, single submitter. Criteria: Ambry Variant Classification Scheme 2023. Collection method: clinical testing. Allele origin: germline.
Comment: The c.41C>A (p.P14Q) alteration is located in exon (coding exon ) of the MMP24 gene. This alteration results from a C to A substitution at nucleotide position 41, causing the proline (P) at amino acid position 14 to be replaced by a glutamine (Q). Based on insufficient or conflicting evidence, the clinical significance of this alteration remains unclear.

NM_006690.4(MMP24):c.41C>A (p.Pro14Gln)

Genes: MMP24 (matrix metallopeptidase 24; plus strand), MMP24-AS1-EDEM2 (MMP24-AS1-EDEM2 readthrough; minus strand). Cytogenetic location: 20q11.22.
Variant type: single nucleotide variant.
Coding change: c.41C>A on transcript NM_006690.4 (MANE Select); coding-DNA position 41, C replaced by A.
Protein change: p.Pro14Gln; replaces proline 14 with glutamine.
Molecular consequence: missense variant. On other transcripts: intron variant (1).
Genome position (GRCh38, 1-based): chr20:35,226,779, C>A. VCF-style: chr20-35226779-C-A. GRCh37 (hg19) VCF-style: chr20-33814582-C-A.
Other names: c.-351-8718G>T (NM_001355008.2); short protein forms P14Q.
Identifiers: ClinVar variation 2515004 (VCV002515004.2), dbSNP rs2515600954, ClinGen allele CA408706413.